The following is an entry in ClinVar:

ClinVar aggregate classification (germline): Uncertain significance (1 of 4 stars; one submission).

Conditions:
Holoprosencephaly 11 (HPE11). Identifiers: Orphanet 2162, MedGen C3280215, MONDO:0013642, OMIM 614226.

Submission:

Labcorp Genetics (formerly Invitae), Labcorp
Classification: Uncertain significance for Holoprosencephaly 11. Last evaluated: 2025-10-18. Review status: criteria provided, single submitter. Criteria: Invitae Variant Classification Sherloc (09022015). Collection method: clinical testing. Allele origin: germline.
Comment: This sequence change replaces leucine, which is neutral and non-polar, with methionine, which is neutral and non-polar, at codon 68 of the CDON protein (p.Leu68Met). This variant is not present in population databases (gnomAD no frequency). This variant has not been reported in the literature in individuals affected with CDON-related conditions. ClinVar contains an entry for this variant (Variation ID: 2762570). An algorithm developed to predict the effect of missense changes on protein structure and function (PolyPhen-2) suggests that this variant is likely to be disruptive. In summary, the available evidence is currently insufficient to determine the role of this variant in disease. Therefore, it has been classified as a Variant of Uncertain Significance.

NM_001378964.1(CDON):c.202T>A (p.Leu68Met)

Gene: CDON (cell adhesion associated, oncogene regulated; minus strand). Cytogenetic location: 11q24.2.
Variant type: single nucleotide variant.
Coding change: c.202T>A on transcript NM_001378964.1 (MANE Select); coding-DNA position 202, T replaced by A.
Protein change: p.Leu68Met; replaces leucine 68 with methionine.
Molecular consequence: missense variant.
Genome position (GRCh38, 1-based): chr11:126,021,395, A>T on the plus strand (T>A on the coding strand, the complement: CDON is on the minus strand). VCF-style: chr11-126021395-A-T. GRCh37 (hg19) VCF-style: chr11-125891290-A-T.
Other names: c.202T>A, p.Leu68Met (NM_001243597.3, NM_016952.6); short protein forms L68M.
Identifiers: ClinVar variation 2762570 (VCV002762570.3), dbSNP rs373096471, ClinGen allele CA230556693.
Genomic context (GRCh38, chr11:126,021,395, plus strand): 5'-TGAGAGAAAGAATTGTCAGAGTCCCCTGATGAATCTTAACATGTTCCAGGTTTCCATCCA[A>T]TGTTTTTCCGTTATGCAGCCATGAGATACGAGTGGTCACAGGTTGAGCAGAACAATGCAG-3'
Protein context (NP_001365893.1, residues 58-78): RISWLHNGKT[Leu68Met]DGNLEHVKIH